The following is an entry in ClinVar:

ClinVar aggregate classification (germline): Uncertain significance. Review status: criteria provided, single submitter (1 of 4 stars). 2 submissions from 2 submitters: Uncertain significance (1). 1 of the submissions does not count toward it. Last evaluated 2022-08-29.

Conditions:
Retinitis pigmentosa 25 (RP25). Identifiers: Orphanet 791, MedGen C1864446, MONDO:0011272, OMIM 602772.

Allele frequency attached by ClinVar (database versions not stated): TOPMed 0.00002; gnomAD 0.00003.
gnomAD v4.1: 11 of 1,549,040 alleles (0.00071%); highest among the groups gnomAD compares: Admixed American, 0.0059%; no homozygotes.

Submissions (2):

Labcorp Genetics (formerly Invitae), Labcorp
Classification: Uncertain significance. Last evaluated: 2022-08-29. Review status: criteria provided, single submitter. Criteria: Invitae Variant Classification Sherloc (09022015). Collection method: clinical testing. Allele origin: germline.
Comment: This sequence change replaces threonine, which is neutral and polar, with isoleucine, which is neutral and non-polar, at codon 2559 of the EYS protein (p.Thr2559Ile). This variant is not present in population databases (gnomAD no frequency). This variant has not been reported in the literature in individuals affected with EYS-related conditions. ClinVar contains an entry for this variant (Variation ID: 1054087). Algorithms developed to predict the effect of missense changes on protein structure and function output the following: SIFT: "Tolerated"; PolyPhen-2: "Benign"; Align-GVGD: "Class C0". The isoleucine amino acid residue is found in multiple mammalian species, which suggests that this missense change does not adversely affect protein function. In summary, the available evidence is currently insufficient to determine the role of this variant in disease. Therefore, it has been classified as a Variant of Uncertain Significance.

Natera, Inc.
Classification: Uncertain significance for Retinitis pigmentosa type 25. Last evaluated: 2020-09-24. Review status: no assertion criteria provided. Collection method: clinical testing. Allele origin: germline. Not counted in ClinVar's aggregate classification.

NM_001142800.2(EYS):c.7676C>T (p.Thr2559Ile)

Gene: EYS (eyes shut homolog; minus strand). Cytogenetic location: 6q12.
Variant type: single nucleotide variant.
Coding change: c.7676C>T on transcript NM_001142800.2 (MANE Select); coding-DNA position 7676, C replaced by T.
Protein change: p.Thr2559Ile; replaces threonine 2559 with isoleucine.
Molecular consequence: missense variant.
Genome position (GRCh38, 1-based): chr6:63,788,152, G>A on the plus strand (C>T on the coding strand, the complement: EYS is on the minus strand). VCF-style: chr6-63788152-G-A. GRCh37 (hg19) VCF-style: chr6-64498045-G-A.
Other names: c.7676C>T, p.Thr2559Ile (NM_001292009.2); short protein forms T2559I.
Identifiers: ClinVar variation 1054087 (VCV001054087.3), dbSNP rs913910892, ClinGen allele CA140243936.